The following is an entry in ClinVar:

NM_001278669.2(NFATC1):c.179C>T (p.Thr60Met)

Gene: NFATC1 (nuclear factor of activated T cells 1; plus strand). Cytogenetic location: 18q23.
Variant type: single nucleotide variant.
Coding change: c.179C>T on transcript NM_001278669.2 (MANE Select); coding-DNA position 179, C replaced by T.
Protein change: p.Thr60Met; replaces threonine 60 with methionine.
Molecular consequence: missense variant. On other transcripts: intron variant (2).
Genome position (GRCh38, 1-based): chr18:79,410,454, C>T. VCF-style: chr18-79410454-C-T. GRCh37 (hg19) VCF-style: chr18-77170454-C-T.
Other names: c.179C>T, p.Thr60Met (NM_001278670.2, NM_006162.5, NM_172390.3); c.140C>T, p.Thr47Met (NM_001278672.2, NM_001278675.2, NM_172387.3 and 1 more transcripts); c.-191+14103C>T (NM_172388.3); c.-191+9975C>T (NM_001278673.2); short protein forms T47M, T60M.
Identifiers: ClinVar variation 2053267 (VCV002053267.5), dbSNP rs149504014, ClinGen allele CA9008755.

ClinVar aggregate classification (germline): Uncertain significance. Review status: criteria provided, multiple submitters, no conflicts (2 of 4 stars). 2 submissions from 2 submitters: Uncertain significance (2). Last evaluated 2025-11-24.

Allele frequency attached by ClinVar (database versions not stated): 1000 Genomes Project 0.00020; ESP Exome Variant Server 0.00015; 1000 Genomes Project 30x 0.00016; ExAC 0.00016; gnomAD 0.00017; TOPMed 0.00018.
gnomAD v4.1: 349 of 1,612,262 alleles (0.022%); highest among the groups gnomAD compares: Non-Finnish European, 0.026%; no homozygotes.

Submissions (2):

Labcorp Genetics (formerly Invitae), Labcorp
Classification: Uncertain significance. Last evaluated: 2025-11-24. Review status: criteria provided, single submitter. Criteria: Invitae Variant Classification Sherloc (09022015). Collection method: clinical testing. Allele origin: germline.
Comment: This sequence change replaces threonine, which is neutral and polar, with methionine, which is neutral and non-polar, at codon 60 of the NFATC1 protein (p.Thr60Met). This variant is present in population databases (rs149504014, gnomAD 0.03%). This variant has not been reported in the literature in individuals affected with NFATC1-related conditions. ClinVar contains an entry for this variant (Variation ID: 2053267). An algorithm developed to predict the effect of missense changes on protein structure and function (PolyPhen-2) suggests that this variant is likely to be tolerated. In summary, the available evidence is currently insufficient to determine the role of this variant in disease. Therefore, it has been classified as a Variant of Uncertain Significance.

Ambry Genetics
Classification: Uncertain significance. Last evaluated: 2021-07-26. Review status: criteria provided, single submitter. Criteria: Ambry Variant Classification Scheme 2023. Collection method: clinical testing. Allele origin: germline.